The following is an entry in ClinVar:

NM_000620.5(NOS1):c.4057G>A (p.Val1353Ile)

Gene: NOS1 (nitric oxide synthase 1; minus strand). Cytogenetic location: 12q24.22.
Variant type: single nucleotide variant.
Coding change: c.4057G>A on transcript NM_000620.5 (MANE Select); coding-DNA position 4057, G replaced by A.
Protein change: p.Val1353Ile; replaces valine 1353 with isoleucine.
Molecular consequence: missense variant.
Genome position (GRCh38, 1-based): chr12:117,220,188, C>T on the plus strand (G>A on the coding strand, the complement: NOS1 is on the minus strand). VCF-style: chr12-117220188-C-T. GRCh37 (hg19) VCF-style: chr12-117657993-C-T.
Other names: c.3049G>A, p.Val1017Ile (NM_001204213.2, NM_001204214.2); c.4159G>A, p.Val1387Ile (NM_001204218.2); short protein forms V1017I, V1353I, V1387I.
Identifiers: ClinVar variation 3050294 (VCV003050294.3), dbSNP rs74427117, ClinGen allele CA6814324.
Genomic context (GRCh38, chr12:117,220,188, plus strand): 5'-GGGTCATGATGCGCTGGATGGCTTTGAGGACATCAGCAGCCATGGTGACGTCCCCACAGA[C>T]GTATATGTGGCCCCCTTGCTCCTTCAGGGCTCGGTACACAGACTCCGCCAGCTGCTCCTG-3'
Protein context (NP_000611.1, residues 1343-1363): ALKEQGGHIY[Val1353Ile]CGDVTMAADV

ClinVar aggregate classification (germline): Uncertain significance. Review status: criteria provided, single submitter (1 of 4 stars). 2 submissions from 2 submitters: Uncertain significance (1). 1 of the submissions does not count toward it. Last evaluated 2024-09-30.

Conditions:
NOS1-related disorder. Also called: NOS1-related condition.

Allele frequency attached by ClinVar (database versions not stated): ESP Exome Variant Server 0.00031; TOPMed 0.00072; gnomAD 0.00086; 1000 Genomes Project 30x 0.00094; 1000 Genomes Project 0.00100; ExAC 0.00111; gnomAD exomes 0.00136.
gnomAD v4.1: 2,089 of 1,613,978 alleles (0.13%); highest among the groups gnomAD compares: Non-Finnish European, 0.16%; 3 homozygotes.

Submissions (2):

Ambry Genetics
Classification: Uncertain significance. Last evaluated: 2024-09-30. Review status: criteria provided, single submitter. Criteria: Ambry Variant Classification Scheme 2023. Collection method: clinical testing. Allele origin: germline.

PreventionGenetics, part of Exact Sciences
Classification: Likely benign for NOS1-related condition. Last evaluated: 2022-07-19. Review status: no assertion criteria provided. Collection method: clinical testing. Allele origin: germline. Not counted in ClinVar's aggregate classification.
Comment: This variant is classified as likely benign based on ACMG/AMP sequence variant interpretation guidelines (Richards et al. 2015 PMID: 25741868, with internal and published modifications).